The following is an entry in ClinVar:

ClinVar aggregate classification (germline): Benign. Review status: criteria provided, multiple submitters, no conflicts (2 of 4 stars). 5 submissions from 5 submitters: Benign (5). Last evaluated 2026-05-09.

Conditions:
Brachydactyly type A1. Also called: FARABEE-TYPE BRACHYDACTYLY; SHORT STATURE WITH NONSPECIFIC SKELETAL ABNORMALITIES 2. Identifiers: Orphanet 93388, MedGen C1862151, MONDO:0007215, OMIM 112500, HP:0009371.

Allele frequency attached by ClinVar (database versions not stated): gnomAD exomes 0.00510; ExAC 0.00599; gnomAD 0.01963; ESP Exome Variant Server 0.02000; TOPMed 0.02066; 1000 Genomes Project 0.02256; 1000 Genomes Project 30x 0.02358.

Submissions (5):

Women's Health and Genetics/Laboratory Corporation of America, LabCorp
Classification: Benign. Last evaluated: 2026-05-09. Review status: criteria provided, single submitter. Criteria: LabCorp Variant Classification Summary - May 2015. Collection method: clinical testing. Allele origin: germline.

Labcorp Genetics (formerly Invitae), Labcorp
Classification: Benign. Last evaluated: 2026-01-28. Review status: criteria provided, single submitter. Criteria: Invitae Variant Classification Sherloc (09022015). Collection method: clinical testing. Allele origin: germline.

GeneDx
Classification: Benign. Last evaluated: 2020-10-18. Review status: criteria provided, single submitter. Criteria: GeneDx Variant Classification Process June 2021. Collection method: clinical testing. Allele origin: germline. Affected: yes.

Illumina Laboratory Services, Illumina
Classification: Benign for Brachydactyly type A1. Last evaluated: 2018-01-12. Review status: criteria provided, single submitter. Criteria: ICSL Variant Classification Criteria 13 December 2019. Collection method: clinical testing. Allele origin: germline.
Comment: This variant was observed in the ICSL laboratory as part of a predisposition screen in an ostensibly healthy population. It had not been previously curated by ICSL or reported in the Human Gene Mutation Database (HGMD: prior to June 1st, 2018), and was therefore a candidate for classification through an automated scoring system. Utilizing variant allele frequency, disease prevalence and penetrance estimates, and inheritance mode, an automated score was calculated to assess if this variant is too frequent to cause the disease. Based on the score and internal cut-off values, a variant classified as benign is not then subjected to further curation. The score for this variant resulted in a classification of benign for this disease.

Breakthrough Genomics
Classification: Benign. Review status: criteria provided, single submitter. Criteria: ACMG Guidelines, 2015. Collection method: not provided. Allele origin: germline. Inheritance: Autosomal recessive inheritance. Affected: yes.

NM_002181.4(IHH):c.969C>T (p.His323=)

Gene: IHH (Indian hedgehog signaling molecule; minus strand). Cytogenetic location: 2q35.
Variant type: single nucleotide variant.
Coding change: c.969C>T on transcript NM_002181.4 (MANE Select); coding-DNA position 969, C replaced by T.
Protein change: p.His323=; no amino-acid change (histidine 323 retained).
Molecular consequence: synonymous variant.
Genome position (GRCh38, 1-based): chr2:219,055,474, G>A on the plus strand (C>T on the coding strand, the complement: IHH is on the minus strand). VCF-style: chr2-219055474-G-A. GRCh37 (hg19) VCF-style: chr2-219920196-G-A.
Identifiers: ClinVar variation 334434 (VCV000334434.18), dbSNP rs76578869, ClinGen allele CA2116558.